The following is an entry in ClinVar:

ClinVar aggregate classification (germline): Uncertain significance (1 of 4 stars; one submission).

gnomAD v4.1: 13 of 1,613,808 alleles (0.00081%); highest among the groups gnomAD compares: African/African-American, 0.013%; no homozygotes.

Submission:

Labcorp Genetics (formerly Invitae), Labcorp
Classification: Uncertain significance. Last evaluated: 2024-05-06. Review status: criteria provided, single submitter. Criteria: Invitae Variant Classification Sherloc (09022015). Collection method: clinical testing. Allele origin: germline.
Comment: This sequence change replaces arginine, which is basic and polar, with tryptophan, which is neutral and slightly polar, at codon 667 of the CCDC141 protein (p.Arg667Trp). This variant is present in population databases (rs146458136, gnomAD 0.02%). This variant has not been reported in the literature in individuals affected with CCDC141-related conditions. Algorithms developed to predict the effect of missense changes on protein structure and function output the following: SIFT: "Not Available"; PolyPhen-2: "Benign"; Align-GVGD: "Not Available". The tryptophan amino acid residue is found in multiple mammalian species, which suggests that this missense change does not adversely affect protein function. In summary, the available evidence is currently insufficient to determine the role of this variant in disease. Therefore, it has been classified as a Variant of Uncertain Significance.

NM_173648.4(CCDC141):c.1999C>T (p.Arg667Trp)

Gene: CCDC141 (coiled-coil domain containing 141; minus strand). Cytogenetic location: 2q31.2.
Variant type: single nucleotide variant.
Coding change: c.1999C>T on transcript NM_173648.4 (MANE Select); coding-DNA position 1999, C replaced by T.
Protein change: p.Arg667Trp; replaces arginine 667 with tryptophan.
Molecular consequence: missense variant.
Genome position (GRCh38, 1-based): chr2:178,872,213, G>A on the plus strand (C>T on the coding strand, the complement: CCDC141 is on the minus strand). VCF-style: chr2-178872213-G-A. GRCh37 (hg19) VCF-style: chr2-179736940-G-A.
Other names: short protein forms R667W.
Identifiers: ClinVar variation 3704157 (VCV003704157.2).
Genomic context (GRCh38, chr2:178,872,213, plus strand): 5'-ATGCCGCCCACTGCTGTTTTCCAGGCTTGCTTTCCGTGGCTTTAAGCTGCCATGCCAGCC[G>A]AAGGAGGCTAAGTTCTTCCCGTTCTGCTTTCTGGTTTTCCATGGTGTTCTTCATGAGGTA-3'
Protein context (NP_775919.3, residues 657-677): KAEREELSLL[Arg667Trp]LAWQLKATES